The following is an entry in ClinVar:

ClinVar aggregate classification (germline): Uncertain significance (1 of 4 stars; one submission).

Conditions:
Capillary malformation-arteriovenous malformation syndrome. Also called: Capillary malformation-arteriovenous malformation. Identifiers: Orphanet 137667, MedGen C1842180, MONDO:0012016.

Allele frequency attached by ClinVar (database versions not stated): gnomAD 0.00001; gnomAD exomes 0.00001.
gnomAD v4.1: 10 of 1,596,784 alleles (0.00063%); highest among the groups gnomAD compares: Admixed American, 0.0033%; no homozygotes.

Submission:

Labcorp Genetics (formerly Invitae), Labcorp
Classification: Uncertain significance for Capillary malformation-arteriovenous malformation syndrome. Last evaluated: 2025-12-31. Review status: criteria provided, single submitter. Criteria: Invitae Variant Classification Sherloc (09022015). Collection method: clinical testing. Allele origin: germline.
Comment: This sequence change falls in intron 10 of the RASA1 gene. It does not directly change the encoded amino acid sequence of the RASA1 protein. The frequency data for this variant in the population databases is considered unreliable, as metrics indicate poor data quality at this position in the gnomAD database. This variant has not been reported in the literature in individuals affected with RASA1-related conditions. ClinVar contains an entry for this variant (Variation ID: 1469716). Algorithms developed to predict the effect of sequence changes on RNA splicing suggest that this variant may disrupt the consensus splice site. In summary, the available evidence is currently insufficient to determine the role of this variant in disease. Therefore, it has been classified as a Variant of Uncertain Significance.

NM_002890.3(RASA1):c.1454-7T>A

Genes: CCNH (cyclin H; minus strand), RASA1 (RAS p21 protein activator 1; plus strand). Cytogenetic location: 5q14.3.
Variant type: single nucleotide variant.
Coding change: c.1454-7T>A on transcript NM_002890.3 (MANE Select); 7 bases into the intron before coding-DNA position 1454, T replaced by A.
Molecular consequence: intron variant.
Genome position (GRCh38, 1-based): chr5:87,363,341, T>A. VCF-style: chr5-87363341-T-A. GRCh37 (hg19) VCF-style: chr5-86659158-T-A.
Other names: c.923-7T>A (NM_022650.3); c.933+31703A>T (NM_001364075.2).
Identifiers: ClinVar variation 1469716 (VCV001469716.6), dbSNP rs1173346145, ClinGen allele CA560881876.